The following is an entry in ClinVar:

ClinVar aggregate classification (germline): Benign (1 of 4 stars; one submission).

Submission:

Mayo Clinic Laboratories, Mayo Clinic
Classification: Benign. Last evaluated: 2022-05-19. Review status: criteria provided, single submitter. Criteria: ACMG Guidelines, 2015. Collection method: clinical testing. Allele origin: germline. Observed: 739 variant alleles.
Comment: BA1

NM_000637.5(GSR):c.307-5del

Gene: GSR (glutathione-disulfide reductase; minus strand). Cytogenetic location: 8p12.
Variant type: Deletion.
Coding change: c.307-5del on transcript NM_000637.5 (MANE Select); 5 bases into the intron before coding-DNA position 307, one base deleted (T; older notation c.307-5delT).
Molecular consequence: intron variant.
Genome position (GRCh38, 1-based): chr8:30,712,093, A deleted on the plus strand (T on the coding strand, the reverse complement: GSR is on the minus strand); the first of 12 consecutive A bases (chr8:30,712,093-30,712,104); deleting any one gives the same sequence. VCF-style (leftmost placement, unchanged base first): chr8-30712092-GA-G. GRCh37 (hg19) VCF-style: chr8-30569609-GA-G.
Other names: p.?; c.307-5del (NM_001195104.3, NM_001195102.3, NM_001195103.3).
Identifiers: ClinVar variation 4683327 (VCV004683327.1).